The following is an entry in ClinVar:

NM_001080453.3(INTS1):c.3051G>A (p.Val1017=)

Gene: INTS1 (integrator complex subunit 1; minus strand). Cytogenetic location: 7p22.3.
Variant type: single nucleotide variant.
Coding change: c.3051G>A on transcript NM_001080453.3 (MANE Select); coding-DNA position 3051, G replaced by A.
Protein change: p.Val1017=; no amino-acid change (valine 1017 retained).
Molecular consequence: synonymous variant.
Genome position (GRCh38, 1-based): chr7:1,485,395, C>T on the plus strand (G>A on the coding strand, the complement: INTS1 is on the minus strand). VCF-style: chr7-1485395-C-T. GRCh37 (hg19) VCF-style: chr7-1525031-C-T.
Identifiers: ClinVar variation 2673095 (VCV002673095.23), dbSNP rs371090231, ClinGen allele CA453622304.

ClinVar aggregate classification (germline): Likely benign (1 of 4 stars; one submission).

gnomAD v4.1: 2 of 1,612,856 alleles (0.00012%); highest among the groups gnomAD compares: Middle Eastern, 0.016%; no homozygotes.

Submission:

CeGaT Center for Human Genetics Tuebingen
Classification: Likely benign. Last evaluated: 2023-10-01. Review status: criteria provided, single submitter. Criteria: CeGaT Center For Human Genetics Tuebingen Variant Classification Criteria Version 2. Collection method: clinical testing. Allele origin: germline. Affected: yes. Observed: 1 variant allele.
Comment: INTS1: PM2:Supporting, BP4, BP7